The following is an entry in ClinVar:

NM_001164508.2(NEB):c.4439A>C (p.Lys1480Thr)

Gene: NEB (nebulin; minus strand). Cytogenetic location: 2q23.3.
Variant type: single nucleotide variant.
Coding change: c.4439A>C on transcript NM_001164508.2 (MANE Select); coding-DNA position 4439, A replaced by C.
Protein change: p.Lys1480Thr; replaces lysine 1480 with threonine.
Molecular consequence: missense variant.
Genome position (GRCh38, 1-based): chr2:151,671,090, T>G on the plus strand (A>C on the coding strand, the complement: NEB is on the minus strand). VCF-style: chr2-151671090-T-G. GRCh37 (hg19) VCF-style: chr2-152527604-T-G.
Other names: c.4439A>C, p.Lys1480Thr (NM_001164507.2, NM_001271208.2, NM_004543.5); short protein forms K1480T.
Identifiers: ClinVar variation 2187125 (VCV002187125.1), dbSNP rs754279354, ClinGen allele CA348815583.

ClinVar aggregate classification (germline): Uncertain significance (1 of 4 stars; one submission).

Conditions:
Nemaline myopathy 2 (NEM2). Also called: Nemaline myopathy 2, autosomal recessive. Identifiers: MedGen C1850569, MONDO:0009725, OMIM 256030.

gnomAD v4.1: 1 of 1,614,020 alleles (0.000062%); highest among the groups gnomAD compares: African/African-American, 0.0013%; no homozygotes.

Submission:

Labcorp Genetics (formerly Invitae), Labcorp
Classification: Uncertain significance for Nemaline myopathy 2. Last evaluated: 2022-04-05. Review status: criteria provided, single submitter. Criteria: Invitae Variant Classification Sherloc (09022015). Collection method: clinical testing. Allele origin: germline.
Comment: This sequence change replaces lysine, which is basic and polar, with threonine, which is neutral and polar, at codon 1480 of the NEB protein (p.Lys1480Thr). This variant is not present in population databases (gnomAD no frequency). This variant has not been reported in the literature in individuals affected with NEB-related conditions. Algorithms developed to predict the effect of missense changes on protein structure and function are either unavailable or do not agree on the potential impact of this missense change (SIFT: "Deleterious"; PolyPhen-2: "Not Available"; Align-GVGD: "Class C0"). In summary, the available evidence is currently insufficient to determine the role of this variant in disease. Therefore, it has been classified as a Variant of Uncertain Significance.